The following is an entry in ClinVar:

ClinVar aggregate classification (germline): Likely benign (1 of 4 stars; one submission).

Conditions:
EP300-related disorder. Also called: EP300-related condition; EP300-related disorders.

Submission:

PreventionGenetics, part of Exact Sciences
Classification: Likely benign for EP300-related condition. Last evaluated: 2025-04-24. Review status: criteria provided, single submitter. Criteria: ACMG Guidelines, 2015. Collection method: clinical testing. Allele origin: germline.
Comment: This variant is classified as likely benign based on ACMG/AMP sequence variant interpretation guidelines (Richards et al. 2015 PMID: 25741868, with internal and published modifications).

NM_001429.4(EP300):c.3606G>A (p.Glu1202=)

Gene: EP300 (EP300 lysine acetyltransferase; plus strand). Cytogenetic location: 22q13.2.
Variant type: single nucleotide variant.
Coding change: c.3606G>A on transcript NM_001429.4 (MANE Select); coding-DNA position 3606, G replaced by A.
Protein change: p.Glu1202=; no amino-acid change (glutamic acid 1202 retained).
Molecular consequence: synonymous variant.
Genome position (GRCh38, 1-based): chr22:41,160,657, G>A. VCF-style: chr22-41160657-G-A. GRCh37 (hg19) VCF-style: chr22-41556661-G-A.
Other names: c.3528G>A, p.Glu1176= (NM_001362843.2).
Identifiers: ClinVar variation 5000506 (VCV005000506.1).